The following is an entry in ClinVar:

ClinVar aggregate classification (germline): Uncertain significance (1 of 4 stars; one submission).

Submission:

Ambry Genetics
Classification: Uncertain significance. Last evaluated: 2024-09-30. Review status: criteria provided, single submitter. Criteria: Ambry Variant Classification Scheme 2023. Collection method: clinical testing. Allele origin: germline.
Comment: The p.G430V variant (also known as c.1289G>T), located in coding exon 9 of the POLQ gene, results from a G to T substitution at nucleotide position 1289. The glycine at codon 430 is replaced by valine, an amino acid with dissimilar properties. This amino acid position is conserved. In addition, the in silico prediction for this alteration is inconclusive. Since supporting evidence is limited at this time, the clinical significance of this alteration remains unclear.

NM_199420.4(POLQ):c.1289G>T (p.Gly430Val)

Gene: POLQ (DNA polymerase theta; minus strand). Cytogenetic location: 3q13.33.
Variant type: single nucleotide variant.
Coding change: c.1289G>T on transcript NM_199420.4 (MANE Select); coding-DNA position 1289, G replaced by T.
Protein change: p.Gly430Val; replaces glycine 430 with valine.
Molecular consequence: missense variant.
Genome position (GRCh38, 1-based): chr3:121,520,050, C>A on the plus strand (G>T on the coding strand, the complement: POLQ is on the minus strand). VCF-style: chr3-121520050-C-A. GRCh37 (hg19) VCF-style: chr3-121238897-C-A.
Other names: short protein forms G430V.
Identifiers: ClinVar variation 1769042 (VCV001769042.3), dbSNP rs2546810264, ClinGen allele CA354119877.